The following is an entry in ClinVar:

NM_006265.3(RAD21):c.137C>T (p.Ser46Leu)

Gene: RAD21 (RAD21 cohesin complex component; minus strand). Cytogenetic location: 8q24.11.
Variant type: single nucleotide variant.
Coding change: c.137C>T on transcript NM_006265.3 (MANE Select); coding-DNA position 137, C replaced by T.
Protein change: p.Ser46Leu; replaces serine 46 with leucine.
Molecular consequence: missense variant.
Genome position (GRCh38, 1-based): chr8:116,866,593, G>A on the plus strand (C>T on the coding strand, the complement: RAD21 is on the minus strand). VCF-style: chr8-116866593-G-A. GRCh37 (hg19) VCF-style: chr8-117878832-G-A.
Other names: short protein forms S46L.
Identifiers: ClinVar variation 3365740 (VCV003365740.2).
Genomic context (GRCh38, chr8:116,866,593, plus strand): 5'-ACATATCAATAAACAATCAACAAAGTGAATAAAAATGTCAACATCAAACATACCTTTGGT[G>A]AGATGATACTCTCCACGCTGCTCTCTAAATTACACTCGAACACATGGGCTTTGGTTAGCT-3'
Protein context (NP_006256.1, residues 36-56): NLESSVESII[Ser46Leu]PKVKMALRTS

ClinVar aggregate classification (germline): Uncertain significance (1 of 4 stars; one submission).

Submission:

GeneDx
Classification: Uncertain significance. Last evaluated: 2026-02-08. Review status: criteria provided, single submitter. Criteria: GeneDx Variant Classification Process June 2021. Collection method: clinical testing. Allele origin: germline.
Comment: Not observed at significant frequency in large population cohorts (gnomAD); In silico analysis supports that this missense variant has a deleterious effect on protein structure/function; Has not been previously published as pathogenic or benign to our knowledge